The following is an entry in ClinVar:

NM_000368.5(TSC1):c.211-8A>T

Gene: TSC1 (TSC complex subunit 1; minus strand). Cytogenetic location: 9q34.13.
Variant type: single nucleotide variant.
Coding change: c.211-8A>T on transcript NM_000368.5 (MANE Select); 8 bases into the intron before coding-DNA position 211, A replaced by T.
Molecular consequence: intron variant.
Genome position (GRCh38, 1-based): chr9:132,925,747, T>A on the plus strand (A>T on the coding strand, the complement: TSC1 is on the minus strand). VCF-style: chr9-132925747-T-A. GRCh37 (hg19) VCF-style: chr9-135801134-T-A.
Other names: c.-153-8A>T (NM_001406620.1, NM_001406618.1, NM_001406625.1 and 5 more transcripts); c.210+1454A>T (NM_001406613.1, NM_001406612.1, NM_001406610.1 and 2 more transcripts); c.-667-8A>T (NM_001406627.1, NM_001406628.1, NM_001406626.1); c.-809-8A>T (NM_001406629.1); c.211-8A>T (NM_001406603.1, NM_001406609.1, NM_001406597.1 and 17 more transcripts); c.-245-8A>T (NM_001406614.1, NM_001406624.1, NM_001406616.1); c.-883-8A>T (NM_001406630.1); c.-278-8A>T (NM_001406623.1, NM_001406615.1).
Identifiers: ClinVar variation 2707991 (VCV002707991.5), dbSNP rs753082880, ClinGen allele CA2697558144.

ClinVar aggregate classification (germline): Conflicting classifications of pathogenicity. Review status: criteria provided, conflicting classifications (1 of 4 stars). 3 submissions from 3 submitters: Uncertain significance (1); Likely benign (2). Last evaluated 2025-04-30.

Conditions:
Tuberous sclerosis 1 (TSC1). Identifiers: Orphanet 805, MedGen C1854465, MONDO:0008612, OMIM 191100.

Submissions (3):

Quest Diagnostics Nichols Institute San Juan Capistrano
Classification: Uncertain significance. Last evaluated: 2025-04-30. Review status: criteria provided, single submitter. Criteria: Quest Diagnostics criteria. Collection method: clinical testing. Allele origin: unknown.

Myriad Genetics, Inc.
Classification: Likely benign for Tuberous sclerosis 1. Last evaluated: 2025-04-07. Review status: criteria provided, single submitter. Criteria: Myriad Autosomal Dominant, Autosomal Recessive and X-Linked Classification Criteria (2023). Collection method: clinical testing. Allele origin: unknown.
Comment: This variant is considered likely benign. This variant is intronic and is not expected to impact mRNA splicing.

Labcorp Genetics (formerly Invitae), Labcorp
Classification: Likely benign for Tuberous sclerosis 1. Last evaluated: 2024-01-06. Review status: criteria provided, single submitter. Criteria: Invitae Variant Classification Sherloc (09022015). Collection method: clinical testing. Allele origin: germline.